The following is an entry in ClinVar:

ClinVar aggregate classification (germline): Uncertain significance (1 of 4 stars; one submission).

Submission:

Labcorp Genetics (formerly Invitae), Labcorp
Classification: Uncertain significance. Last evaluated: 2022-07-30. Review status: criteria provided, single submitter. Criteria: Invitae Variant Classification Sherloc (09022015). Collection method: clinical testing. Allele origin: germline.
Comment: This sequence change replaces glutamic acid, which is acidic and polar, with glycine, which is neutral and non-polar, at codon 378 of the PRPF3 protein (p.Glu378Gly). This variant is not present in population databases (gnomAD no frequency). This variant has not been reported in the literature in individuals affected with PRPF3-related conditions. Algorithms developed to predict the effect of missense changes on protein structure and function are either unavailable or do not agree on the potential impact of this missense change (SIFT: "Tolerated"; PolyPhen-2: "Possibly Damaging"; Align-GVGD: "Class C0"). In summary, the available evidence is currently insufficient to determine the role of this variant in disease. Therefore, it has been classified as a Variant of Uncertain Significance.

NM_004698.4(PRPF3):c.1133A>G (p.Glu378Gly)

Gene: PRPF3 (pre-mRNA processing factor 3; plus strand). Cytogenetic location: 1q21.2.
Variant type: single nucleotide variant.
Coding change: c.1133A>G on transcript NM_004698.4 (MANE Select); coding-DNA position 1133, A replaced by G.
Protein change: p.Glu378Gly; replaces glutamic acid 378 with glycine.
Molecular consequence: missense variant. On other transcripts: non-coding transcript variant (4).
Genome position (GRCh38, 1-based): chr1:150,338,257, A>G. VCF-style: chr1-150338257-A-G. GRCh37 (hg19) VCF-style: chr1-150310733-A-G.
Other names: c.728A>G, p.Glu243Gly (NM_001350529.1); short protein forms E243G, E378G.
Identifiers: ClinVar variation 2017030 (VCV002017030.4), dbSNP rs2525166826, ClinGen allele CA342296875.